The following is an entry in ClinVar:

ClinVar aggregate classification (germline): Uncertain significance (1 of 4 stars; one submission).

Conditions:
Menkes kinky-hair syndrome (MNK). Also called: Classic Menkes Disease; Menkes Disease; Copper transport disease. Identifiers: Orphanet 565, MedGen C0022716, MONDO:0010651, OMIM 309400.
X-linked distal spinal muscular atrophy type 3. Also called: ATP7A-Related Distal Motor Neuropathy; SPINAL MUSCULAR ATROPHY, DISTAL, X-LINKED RECESSIVE; NEURONOPATHY, DISTAL HEREDITARY MOTOR, X-LINKED; NEUROPATHY, DISTAL HEREDITARY MOTOR, X-LINKED. Identifiers: Orphanet 139557, MedGen C1845359, MONDO:0010338, OMIM 300489.
Cutis laxa, X-linked (OHS). Also called: EDS IX; Occipital horn syndrome. Identifiers: Orphanet 198, MedGen C0268353, MONDO:0010572, OMIM 304150.

Submission:

Juno Genomics, Hangzhou Juno Genomics, Inc
Classification: Uncertain significance for X-linked distal spinal muscular atrophy type 3; Menkes kinky-hair syndrome; Cutis laxa, X-linked. Review status: criteria provided, single submitter. Criteria: ACMG Guidelines, 2015. Collection method: clinical testing. Allele origin: germline.
Comment: Absent from controls (or at extremely low frequency if recessive) in Genome Aggregation Database.;Multiple lines of computational evidence support a deleterious effect on the gene or gene product.

NM_000052.7(ATP7A):c.1188G>C (p.Glu396Asp)

Gene: ATP7A (ATPase copper transporting alpha; plus strand). Cytogenetic location: Xq21.1.
Variant type: single nucleotide variant.
Coding change: c.1188G>C on transcript NM_000052.7 (MANE Select); coding-DNA position 1188, G replaced by C.
Protein change: p.Glu396Asp; replaces glutamic acid 396 with aspartic acid.
Molecular consequence: missense variant.
Genome position (GRCh38, 1-based): chrX:77,989,810, G>C. VCF-style: chrX-77989810-G-C. GRCh37 (hg19) VCF-style: chrX-77245306-G-C.
Other names: c.1188G>C, p.Glu396Asp (NM_001282224.2); short protein forms E396D.
Identifiers: ClinVar variation 5007605 (VCV005007605.2).